The following is an entry in ClinVar:

ClinVar aggregate classification (germline): Uncertain significance. Review status: criteria provided, multiple submitters, no conflicts (2 of 4 stars). 3 submissions from 3 submitters: Uncertain significance (2). 1 of the submissions does not count toward it. Last evaluated 2025-02-13.

Conditions:
CFTR-related disorder (CFTR-RD). Also called: CFTR-related condition; CFTR-related disorders. Identifiers: MedGen C5924204, MONDO:7770004.
Cystic fibrosis (CF). Also called: MUCOVISCIDOSIS. Identifiers: Orphanet 586, MedGen C0010674, MONDO:0009061, OMIM 219700. Disease mechanism: loss of function.

Allele frequency attached by ClinVar (database versions not stated): TOPMed below 0.00001.

Submissions (3):

PreventionGenetics, part of Exact Sciences
Classification: Uncertain significance for CFTR-related condition. Last evaluated: 2025-02-13. Review status: criteria provided, single submitter. Criteria: ACMG Guidelines, 2015. Collection method: clinical testing. Allele origin: germline.
Comment: The CFTR c.3460G>T variant is predicted to result in the amino acid substitution p.Asp1154Tyr. This variant was observed in a fetus undergoing prenatal diagnosis for cystic fibrosis (Tomaiuolo et al 2013. PubMed ID: 23612672). However, further information regarding the pathogenicity of this variant was not provided. An alternate missense variant at the same amino acid position, described as p.Asp1154Gly, has been reported in locus specific databases in patients with congenital bilateral absence of the vas deferens (CBAVD). At least one patient harboring the p.Asp1154Gly variant was reported to also carry the p.Phe508del variant on the opposite allele. The p.Asp1154Gly variant significantly reduced whole cell cAMP activated chloride currents in vitro, suggesting the p.Asp1154 residue may be important for proper chloride channel gating (Vankeerberghen et al. 1998. PubMed ID: 9804160). The c.3460G>T (p.Asp1154Tyr) variant detected in this patient has not been reported in a large population database, indicating this variant is rare. Although we suspect that this variant may be pathogenic, at this time, the clinical significance of this variant is uncertain due to the absence of conclusive functional and genetic evidence.

Women's Health and Genetics/Laboratory Corporation of America, LabCorp
Classification: Uncertain significance. Last evaluated: 2024-11-26. Review status: criteria provided, single submitter. Criteria: LabCorp Variant Classification Summary - May 2015. Collection method: clinical testing. Allele origin: germline.
Comment: Variant summary: CFTR c.3460G>T (p.Asp1154Tyr) results in a non-conservative amino acid change located in the ABC transporter integral membrane type-1 fused domain (IPR011527) of the encoded protein sequence. Three of four in-silico tools predict a damaging effect of the variant on protein function. The variant was absent in 250930 control chromosomes. The available data on variant occurrences in the general population are insufficient to allow any conclusion about variant significance. c.3460G>T has been reported in the literature in a fetus undergoing prenatal diagnosis for Cystic Fibrosis (Tomaiuolo_2013). These report(s) do not provide unequivocal conclusions about association of the variant with Cystic Fibrosis. To our knowledge, no experimental evidence demonstrating an impact on protein function has been reported. The following publication has been ascertained in the context of this evaluation (PMID: 23612672). ClinVar contains an entry for this variant (Variation ID: 53748). Based on the evidence outlined above, the variant was classified as uncertain significance.

Counsyl
Classification: Uncertain significance for Cystic fibrosis. Last evaluated: 2017-12-01. Review status: no assertion criteria provided. Collection method: clinical testing. Allele origin: unknown. Not counted in ClinVar's aggregate classification.

Literature cited by the submitters: PubMed 23612672 (cited by Women's Health and Genetics/Laboratory Corporation of America, LabCorp).

NM_000492.4(CFTR):c.3460G>T (p.Asp1154Tyr)

Genes: CFTR (CF transmembrane conductance regulator; plus strand), CFTR-AS2 (CFTR antisense RNA 2; minus strand). Cytogenetic location: 7q31.2.
Variant type: single nucleotide variant.
Coding change: c.3460G>T on transcript NM_000492.4 (MANE Select); coding-DNA position 3460, G replaced by T.
Protein change: p.Asp1154Tyr; replaces aspartic acid 1154 with tyrosine.
Molecular consequence: missense variant.
Genome position (GRCh38, 1-based): chr7:117,614,705, G>T. VCF-style: chr7-117614705-G-T. GRCh37 (hg19) VCF-style: chr7-117254759-G-T.
Other names: short protein forms D1154Y.
Identifiers: ClinVar variation 53748 (VCV000053748.6), dbSNP rs397508568, ClinGen allele CA327196.